The following is an entry in ClinVar:

NM_000388.4(CASR):c.2973T>A (p.Asn991Lys)

Gene: CASR (calcium sensing receptor; plus strand). Cytogenetic location: 3q21.1.
Variant type: single nucleotide variant.
Coding change: c.2973T>A on transcript NM_000388.4 (MANE Select); coding-DNA position 2973, T replaced by A.
Protein change: p.Asn991Lys; replaces asparagine 991 with lysine.
Molecular consequence: missense variant.
Genome position (GRCh38, 1-based): chr3:122,284,927, T>A. VCF-style: chr3-122284927-T-A. GRCh37 (hg19) VCF-style: chr3-122003774-T-A.
Other names: c.3003T>A, p.Asn1001Lys (NM_001178065.2); short protein forms N991K, N1001K.
Identifiers: ClinVar variation 2123107 (VCV002123107.4), dbSNP rs1257108488, ClinGen allele CA354161179.

ClinVar aggregate classification (germline): Uncertain significance (1 of 4 stars; one submission).

Conditions:
Autosomal dominant hypocalcemia 1 (HYPOC1). Also called: HYPOCALCEMIA, FAMILIAL. Identifiers: MedGen C3715128, MONDO:0011013, OMIM 601198.
Familial hypocalciuric hypercalcemia (FHH). Also called: Familial benign hypercalcemia. Identifiers: Orphanet 405, MedGen C1809471, MONDO:0018458.

Submission:

Labcorp Genetics (formerly Invitae), Labcorp
Classification: Uncertain significance for Familial hypocalciuric hypercalcemia; Autosomal dominant hypocalcemia 1. Last evaluated: 2022-04-08. Review status: criteria provided, single submitter. Criteria: Invitae Variant Classification Sherloc (09022015). Collection method: clinical testing. Allele origin: germline.
Comment: In summary, the available evidence is currently insufficient to determine the role of this variant in disease. Therefore, it has been classified as a Variant of Uncertain Significance. Algorithms developed to predict the effect of missense changes on protein structure and function are either unavailable or do not agree on the potential impact of this missense change (SIFT: "Deleterious"; PolyPhen-2: "Benign"; Align-GVGD: "Class C0"). This variant has not been reported in the literature in individuals affected with CASR-related conditions. This variant is not present in population databases (gnomAD no frequency). This sequence change replaces asparagine, which is neutral and polar, with lysine, which is basic and polar, at codon 991 of the CASR protein (p.Asn991Lys).